The following is an entry in ClinVar:

ClinVar aggregate classification (germline): Uncertain significance (1 of 4 stars; one submission).

Conditions:
Hereditary cancer-predisposing syndrome. Also called: Hereditary Cancer Syndrome; Neoplastic Syndromes, Hereditary; Tumor predisposition; Hereditary neoplastic syndrome. Identifiers: Orphanet 140162, MedGen C0027672, MeSH D009386, MONDO:0015356.

Submission:

Ambry Genetics
Classification: Uncertain significance for Hereditary cancer-predisposing syndrome. Last evaluated: 2016-12-01. Review status: criteria provided, single submitter. Criteria: Ambry Variant Classification Scheme 2023. Collection method: clinical testing. Allele origin: germline.
Comment: The p.E322G variant (also known as c.965A>G), located in coding exon 4 of the PALB2 gene, results from an A to G substitution at nucleotide position 965. The glutamic acid at codon 322 is replaced by glycine, an amino acid with similar properties. This amino acid position is not well conserved in available vertebrate species. In addition, this alteration is predicted to be tolerated by in silico analysis.Since supporting evidence is limited at this time, the clinical significance of this alteration remains unclear.

NM_024675.4(PALB2):c.965A>G (p.Glu322Gly)

Gene: PALB2 (partner and localizer of BRCA2; minus strand). Cytogenetic location: 16p12.2.
Variant type: single nucleotide variant.
Coding change: c.965A>G on transcript NM_024675.4 (MANE Select); coding-DNA position 965, A replaced by G.
Protein change: p.Glu322Gly; replaces glutamic acid 322 with glycine.
Molecular consequence: missense variant.
Genome position (GRCh38, 1-based): chr16:23,635,581, T>C on the plus strand (A>G on the coding strand, the complement: PALB2 is on the minus strand). VCF-style: chr16-23635581-T-C. GRCh37 (hg19) VCF-style: chr16-23646902-T-C.
Other names: short protein forms E322G.
Identifiers: ClinVar variation 481113 (VCV000481113.5), dbSNP rs1555461523, ClinGen allele CA395134927.